The following is an entry in ClinVar:

ClinVar aggregate classification (germline): Uncertain significance (1 of 4 stars; one submission).

Conditions:
Fibrous dysplasia of jaw (CRBM). Also called: Cherubism. Identifiers: Orphanet 184, MedGen C0008029, MONDO:0007315, OMIM 118400.

Allele frequency attached by ClinVar (database versions not stated): TOPMed below 0.00001.

Submission:

Labcorp Genetics (formerly Invitae), Labcorp
Classification: Uncertain significance for Fibrous dysplasia of jaw. Last evaluated: 2022-11-28. Review status: criteria provided, single submitter. Criteria: Invitae Variant Classification Sherloc (09022015). Collection method: clinical testing. Allele origin: germline.
Comment: In summary, the available evidence is currently insufficient to determine the role of this variant in disease. Therefore, it has been classified as a Variant of Uncertain Significance. This sequence change replaces phenylalanine, which is neutral and non-polar, with serine, which is neutral and polar, at codon 377 of the SH3BP2 protein (p.Phe377Ser). This variant is not present in population databases (gnomAD no frequency). This variant has not been reported in the literature in individuals affected with SH3BP2-related conditions. ClinVar contains an entry for this variant (Variation ID: 964343). Algorithms developed to predict the effect of missense changes on protein structure and function (SIFT, PolyPhen-2, Align-GVGD) all suggest that this variant is likely to be tolerated.

NM_001122681.2(SH3BP2):c.1130T>C (p.Phe377Ser)

Gene: SH3BP2 (SH3 domain binding protein 2; plus strand). Cytogenetic location: 4p16.3.
Variant type: single nucleotide variant.
Coding change: c.1130T>C on transcript NM_001122681.2 (MANE Select); coding-DNA position 1130, T replaced by C.
Protein change: p.Phe377Ser; replaces phenylalanine 377 with serine.
Molecular consequence: missense variant.
Genome position (GRCh38, 1-based): chr4:2,830,036, T>C. VCF-style: chr4-2830036-T-C. GRCh37 (hg19) VCF-style: chr4-2831763-T-C.
Other names: c.1214T>C, p.Phe405Ser (NM_001145855.2); c.1301T>C, p.Phe434Ser (NM_001145856.2); c.1130T>C, p.Phe377Ser (NM_003023.4); short protein forms F405S, F434S, F377S.
Identifiers: ClinVar variation 964343 (VCV000964343.8), dbSNP rs1724895905, ClinGen allele CA356057216.